The following is an entry in ClinVar:

ClinVar aggregate classification (germline): Uncertain significance (1 of 4 stars; one submission).

Conditions:
Childhood onset hearing loss.

Submission:

National Institute on Deafness and Communication Disorders, National Institutes of Health
Classification: Uncertain significance for Childhood onset hearing loss. Last evaluated: 2021-07-08. Review status: criteria provided, single submitter. Criteria: ClinGen HL ACMG Specifications v1. Collection method: research. Allele origin: germline. Inheritance: Autosomal dominant inheritance. Affected: yes. Observed: 1 heterozygote. Segregation with disease not observed.
Comment: PM2, PP3 (non REVEL) / Modifications from PMID: 30311386 for classification: The genetic causes of hearing loss have not yet been well characterized in the Yoruba population, and the information regarding variant MAF in this population is still limited, so we did not exclude any variant based on their "high" MAF. PP3 criteria was applied even if the REVEL score was below 0.7, if at least two of the pathogenicity prediction algorithms used predicted that the variant was damaging or likely damaging.

NM_017780.4(CHD7):c.8276A>G (p.Gln2759Arg)

Gene: CHD7 (chromodomain helicase DNA binding protein 7; plus strand). Cytogenetic location: 8q12.2.
Variant type: single nucleotide variant.
Coding change: c.8276A>G on transcript NM_017780.4 (MANE Select); coding-DNA position 8276, A replaced by G.
Protein change: p.Gln2759Arg; replaces glutamine 2759 with arginine.
Molecular consequence: missense variant.
Genome position (GRCh38, 1-based): chr8:60,865,215, A>G. VCF-style: chr8-60865215-A-G. GRCh37 (hg19) VCF-style: chr8-61777774-A-G.
Other names: c.2129A>G, p.Gln710Arg (NM_001316690.1); short protein forms Q2759R, Q710R.
Identifiers: ClinVar variation 1027566 (VCV001027566.3), dbSNP rs1469714222, ClinGen allele CA371308062.